The following is an entry in ClinVar:

ClinVar aggregate classification (germline): Uncertain significance (1 of 4 stars; one submission).

Submission:

Women's Health and Genetics/Laboratory Corporation of America, LabCorp
Classification: Uncertain significance. Last evaluated: 2024-01-31. Review status: criteria provided, single submitter. Criteria: LabCorp Variant Classification Summary - May 2015. Collection method: clinical testing. Allele origin: germline.
Comment: Variant summary: DYNC1H1 c.13308G>T (p.Gln4436His) results in a non-conservative amino acid change located in the Dynein heavy chain, C-terminal domain (IPR041228) of the encoded protein sequence. Three of five in-silico tools predict a benign effect of the variant on protein function. The variant was absent in 251474 control chromosomes. The available data on variant occurrences in the general population are insufficient to allow any conclusion about variant significance. To our knowledge, no occurrence of c.13308G>T in individuals affected with DYNC1H1-Related Disorders and no experimental evidence demonstrating its impact on protein function have been reported. No submitters have cited clinical-significance assessments for this variant to ClinVar. Based on the evidence outlined above, the variant was classified as uncertain significance.

NM_001376.5(DYNC1H1):c.13308G>T (p.Gln4436His)

Gene: DYNC1H1 (dynein cytoplasmic 1 heavy chain 1; plus strand). Cytogenetic location: 14q32.31.
Variant type: single nucleotide variant.
Coding change: c.13308G>T on transcript NM_001376.5 (MANE Select); coding-DNA position 13308, G replaced by T.
Protein change: p.Gln4436His; replaces glutamine 4436 with histidine.
Molecular consequence: missense variant.
Genome position (GRCh38, 1-based): chr14:102,048,605, G>T. VCF-style: chr14-102048605-G-T. GRCh37 (hg19) VCF-style: chr14-102514942-G-T.
Other names: short protein forms Q4436H.
Identifiers: ClinVar variation 3063733 (VCV003063733.1), dbSNP rs2503884104, ClinGen allele CA391048250.
Genomic context (GRCh38, chr14:102,048,605, plus strand): 5'-AGTGAAGATGGGCGCAAAGCTGCTTCAGGACGTTCGCCAGGACCTTGCAGATGTCGTCCA[G>T]GTGTGCGAAGGAAAGAAGAAGCAGACCAACTACTTGCGCACGCTGATCAACGAGCTAGTG-3'
Protein context (NP_001367.2, residues 4426-4446): DVRQDLADVV[Gln4436His]VCEGKKKQTN